The following is an entry in ClinVar:

ClinVar aggregate classification (germline): Uncertain significance (1 of 4 stars; one submission).

Conditions:
KSR2-related disorder. Also called: KSR2-related condition.

gnomAD v4.1: 4 of 1,613,574 alleles (0.00025%); highest among the groups gnomAD compares: Admixed American, 0.0033%; no homozygotes.

Submission:

PreventionGenetics, part of Exact Sciences
Classification: Uncertain significance for KSR2-related condition. Last evaluated: 2025-11-17. Review status: criteria provided, single submitter. Criteria: ACMG Guidelines, 2015. Collection method: clinical testing. Allele origin: germline.
Comment: The KSR2 c.893C>A variant is predicted to result in the amino acid substitution p.Thr298Lys. To our knowledge, this variant has not been reported in the literature or in a large population database (gnomAD), indicating this variant is rare. At this time, the clinical significance of this variant is uncertain due to the absence of conclusive functional and genetic evidence.

NM_173598.6(KSR2):c.980C>A (p.Thr327Lys)

Gene: KSR2 (kinase suppressor of ras 2; minus strand). Cytogenetic location: 12q24.23.
Variant type: single nucleotide variant.
Coding change: c.980C>A on transcript NM_173598.6 (MANE Select); coding-DNA position 980, C replaced by A.
Protein change: p.Thr327Lys; replaces threonine 327 with lysine.
Molecular consequence: missense variant.
Genome position (GRCh38, 1-based): chr12:117,761,017, G>T on the plus strand (C>A on the coding strand, the complement: KSR2 is on the minus strand). VCF-style: chr12-117761017-G-T. GRCh37 (hg19) VCF-style: chr12-118198822-G-T.
Other names: short protein forms T327K.
Identifiers: ClinVar variation 4999031 (VCV004999031.1).
Genomic context (GRCh38, chr12:117,761,017, plus strand): 5'-GCCCCTCGCAGGCCGGGTTTCGACCGCCCCAGGGCACCCACCGATCGCACTCACTTGGGC[G>T]TGTGGGCCTCGTCCACGCGGTGCCCCAGCTGGAACTCGTGGGATTTGCTCCGATGCAGCG-3'
Protein context (NP_775869.4, residues 317-337): QLGHRVDEAH[Thr327Lys]PKAKKKSKPL